The following is an entry in ClinVar:

ClinVar aggregate classification (germline): Likely pathogenic (1 of 4 stars; one submission).

Conditions:
Bardet-Biedl syndrome 10 (BBS10). Identifiers: Orphanet 110, MedGen C1859568, MONDO:0014438, OMIM 615987.

Allele frequency attached by ClinVar (database versions not stated): gnomAD exomes below 0.00001.

Submission:

Laboratorio de Genetica e Diagnostico Molecular, Hospital Israelita Albert Einstein
Classification: Likely pathogenic for Bardet-Biedl syndrome 10. Last evaluated: 2022-09-16. Review status: criteria provided, single submitter. Criteria: ACMG Guidelines, 2015. Collection method: clinical testing. Allele origin: germline. Affected: yes. Observed: 1 variant allele.
Comment: ACMG classification criteria: PM2 moderated, PM3 supporting, PM5 moderated, PP3 supporting

NM_024685.4(BBS10):c.923T>C (p.Leu308Ser)

Gene: BBS10 (Bardet-Biedl syndrome 10; minus strand). Cytogenetic location: 12q21.2.
Variant type: single nucleotide variant.
Coding change: c.923T>C on transcript NM_024685.4 (MANE Select); coding-DNA position 923, T replaced by C.
Protein change: p.Leu308Ser; replaces leucine 308 with serine.
Molecular consequence: missense variant.
Genome position (GRCh38, 1-based): chr12:76,347,062, A>G on the plus strand (T>C on the coding strand, the complement: BBS10 is on the minus strand). VCF-style: chr12-76347062-A-G. GRCh37 (hg19) VCF-style: chr12-76740842-A-G.
Other names: short protein forms L308S.
Identifiers: ClinVar variation 2431453 (VCV002431453.1), dbSNP rs2540956342, ClinGen allele CA385813606.
Genomic context (GRCh38, chr12:76,347,062, plus strand): 5'-ATGCCATTCACCCCTGCATAATAACTAACTAAATCTGGTTGTTTCACACTAGATATGAGC[A>G]ATTTTACATTCTGACTATGTAGATGTTTCATTATTGCTTTTGTCTTTTCCATAATCCAAA-3'
Protein context (NP_078961.3, residues 298-318): MKHLHSQNVK[Leu308Ser]LISSVKQPDL